The following is an entry in ClinVar:

ClinVar aggregate classification (germline): Uncertain significance. Review status: criteria provided, multiple submitters, no conflicts (2 of 4 stars). 2 submissions from 2 submitters: Uncertain significance (2). Last evaluated 2025-03-19.

Allele frequency attached by ClinVar (database versions not stated): gnomAD exomes below 0.00001; TOPMed 0.00001.
gnomAD v4.1: 4 of 1,613,790 alleles (0.00025%); highest among the groups gnomAD compares: Non-Finnish European, 0.00025%; no homozygotes.

Submissions (2):

Women's Health and Genetics/Laboratory Corporation of America, LabCorp
Classification: Uncertain significance. Last evaluated: 2025-03-19. Review status: criteria provided, single submitter. Criteria: LabCorp Variant Classification Summary - May 2015. Collection method: clinical testing. Allele origin: germline.
Comment: Variant summary: KCNH1 c.2357G>C (p.Ser786Thr) results in a conservative amino acid change in the encoded protein sequence. Three of five in-silico tools predict a benign effect of the variant on protein function. The variant allele was found at a frequency of 4e-06 in 251218 control chromosomes. The available data on variant occurrences in the general population are insufficient to allow any conclusion about variant significance. To our knowledge, no occurrence of c.2357G>C in individuals affected with KCNH1-Related Disorders and no experimental evidence demonstrating its impact on protein function have been reported. ClinVar contains an entry for this variant (Variation ID: 1406045). Based on the evidence outlined above, the variant was classified as uncertain significance.

Labcorp Genetics (formerly Invitae), Labcorp
Classification: Uncertain significance. Last evaluated: 2023-11-08. Review status: criteria provided, single submitter. Criteria: Invitae Variant Classification Sherloc (09022015). Collection method: clinical testing. Allele origin: germline.
Comment: This sequence change replaces serine, which is neutral and polar, with threonine, which is neutral and polar, at codon 786 of the KCNH1 protein (p.Ser786Thr). This variant is present in population databases (no rsID available, gnomAD 0.0009%). This variant has not been reported in the literature in individuals affected with KCNH1-related conditions. ClinVar contains an entry for this variant (Variation ID: 1406045). Advanced modeling of protein sequence and biophysical properties (such as structural, functional, and spatial information, amino acid conservation, physicochemical variation, residue mobility, and thermodynamic stability) performed at Invitae indicates that this missense variant is not expected to disrupt KCNH1 protein function with a negative predictive value of 95%. In summary, the available evidence is currently insufficient to determine the role of this variant in disease. Therefore, it has been classified as a Variant of Uncertain Significance.

NM_172362.3(KCNH1):c.2357G>C (p.Ser786Thr)

Gene: KCNH1 (potassium voltage-gated channel subfamily H member 1; minus strand). Cytogenetic location: 1q32.2.
Variant type: single nucleotide variant.
Coding change: c.2357G>C on transcript NM_172362.3 (MANE Select); coding-DNA position 2357, G replaced by C.
Protein change: p.Ser786Thr; replaces serine 786 with threonine.
Molecular consequence: missense variant.
Genome position (GRCh38, 1-based): chr1:210,683,894, C>G on the plus strand (G>C on the coding strand, the complement: KCNH1 is on the minus strand). VCF-style: chr1-210683894-C-G. GRCh37 (hg19) VCF-style: chr1-210857236-C-G.
Other names: c.2276G>C, p.Ser759Thr (NM_002238.4); short protein forms S759T, S786T.
Identifiers: ClinVar variation 1406045 (VCV001406045.7), dbSNP rs1043981334, ClinGen allele CA37111564.
Genomic context (GRCh38, chr1:210,683,894, plus strand): 5'-GAGGTGGAGGCTGCCTGGAAGGATACGGGCGTGGCAGGACTCTCACGCACGGTGACCACG[C>G]TGGCCTTCACGAGGCTGTGGTTGGCGGAGGCATGCTCTGTAAGGACATTGCCCTTCTCCA-3'
Protein context (NP_758872.1, residues 776-796): ASANHSLVKA[Ser786Thr]VVTVRESPAT